The following is an entry in ClinVar:

NM_033380.3(COL4A5):c.1825G>T (p.Gly609Cys)

Gene: COL4A5 (collagen type IV alpha 5 chain; plus strand). Cytogenetic location: Xq22.3.
Variant type: single nucleotide variant.
Coding change: c.1825G>T on transcript NM_033380.3 (MANE Select); coding-DNA position 1825, G replaced by T.
Protein change: p.Gly609Cys; replaces glycine 609 with cysteine.
Molecular consequence: missense variant.
Genome position (GRCh38, 1-based): chrX:108,598,747, G>T. VCF-style: chrX-108598747-G-T. GRCh37 (hg19) VCF-style: chrX-107841977-G-T.
Other names: c.1825G>T, p.Gly609Cys (NM_000495.5); short protein forms G609C.
Identifiers: ClinVar variation 1705414 (VCV001705414.1), dbSNP rs104886135, ClinGen allele CA413845693.

ClinVar aggregate classification (germline): Uncertain significance (1 of 4 stars; one submission).

Conditions:
X-linked Alport syndrome (ATS1). Also called: NEPHROPATHY AND DEAFNESS, X-LINKED; COL4A5-Related Nephropathy. Identifiers: Orphanet 63, Orphanet 88917, MedGen C4746986, MONDO:0010520, OMIM 301050.

Submission:

3billion
Classification: Uncertain significance for X-linked Alport syndrome. Last evaluated: 2022-09-01. Review status: criteria provided, single submitter. Criteria: ACMG Guidelines, 2015. Collection method: clinical testing. Allele origin: germline. Affected: yes. Observed: 1 hemizygote.
Comment: The variant is not observed in the gnomAD v2.1.1 dataset. Missense changes are a common disease-causing mechanism. In silico tool predictions suggest damaging effect of the variant on gene or gene product (REVEL: 0.98; 3Cnet: 0.97). Different missense changes at the same codon (p.Gly609Ala, p.Gly609Arg, p.Gly609Asp, p.Gly609Val) have been reported to be associated with COL4A5 -related disorder (ClinVar ID: VCV000974424 / PMID: 24854265 , 28780565 , 8648925 , 8940267). However, the evidence of pathogenicity is insufficient at this time. Therefore, this variant is classified as uncertain significance according to the recommendation of ACMG/AMP guideline.

Literature cited by the submitters: PubMed 24854265; PubMed 28780565; PubMed 8648925; PubMed 8940267.